The following is an entry in ClinVar:

ClinVar aggregate classification (germline): Uncertain significance. Review status: criteria provided, multiple submitters, no conflicts (2 of 4 stars). 3 submissions from 3 submitters: Uncertain significance (3). Last evaluated 2024-05-10.

Conditions:
Hereditary cancer-predisposing syndrome. Also called: Neoplastic Syndromes, Hereditary; Hereditary neoplastic syndrome; Tumor predisposition; Hereditary Cancer Syndrome. Identifiers: Orphanet 140162, MedGen C0027672, MeSH D009386, MONDO:0015356.
Fanconi anemia complementation group J. Also called: BRIP1-Related Fanconi Anemia. Identifiers: Orphanet 84, MedGen C1836860, MONDO:0012187, OMIM 609054.
Familial cancer of breast. Also called: hereditary breast carcinoma; BREAST CANCER, FAMILIAL; Hereditary breast cancer. Identifiers: Orphanet 227535, MedGen C0346153, MONDO:0016419, OMIM 114480. Disease mechanism: loss of function.

Allele frequency attached by ClinVar (database versions not stated): gnomAD exomes below 0.00001.

Submissions (3):

Ambry Genetics
Classification: Uncertain significance for Hereditary cancer-predisposing syndrome. Last evaluated: 2024-05-10. Review status: criteria provided, single submitter. Criteria: Ambry Variant Classification Scheme 2023. Collection method: clinical testing. Allele origin: germline.
Comment: The p.M1244K variant (also known as c.3731T>A), located in coding exon 19 of the BRIP1 gene, results from a T to A substitution at nucleotide position 3731. The methionine at codon 1244 is replaced by lysine, an amino acid with similar properties. This amino acid position is conserved. In addition, this alteration is predicted to be tolerated by in silico analysis. Based on the available evidence, the clinical significance of this variant remains unclear.

Labcorp Genetics (formerly Invitae), Labcorp
Classification: Uncertain significance for Familial cancer of breast; Fanconi anemia complementation group J. Last evaluated: 2023-07-20. Review status: criteria provided, single submitter. Criteria: Invitae Variant Classification Sherloc (09022015). Collection method: clinical testing. Allele origin: germline.
Comment: This sequence change replaces methionine, which is neutral and non-polar, with lysine, which is basic and polar, at codon 1244 of the BRIP1 protein (p.Met1244Lys). This variant is present in population databases (no rsID available, gnomAD 0.006%). This variant has not been reported in the literature in individuals affected with BRIP1-related conditions. ClinVar contains an entry for this variant (Variation ID: 844618). An algorithm developed to predict the effect of missense changes on protein structure and function (PolyPhen-2) suggests that this variant is likely to be tolerated. Algorithms developed to predict the effect of sequence changes on RNA splicing suggest that this variant may create or strengthen a splice site. In summary, the available evidence is currently insufficient to determine the role of this variant in disease. Therefore, it has been classified as a Variant of Uncertain Significance.

Mendelics
Classification: Uncertain significance. Last evaluated: 2022-05-04. Review status: criteria provided, single submitter. Criteria: Mendelics Assertion Criteria 2019. Collection method: clinical testing. Allele origin: germline.

NM_032043.3(BRIP1):c.3731T>A (p.Met1244Lys)

Gene: BRIP1 (BRCA1 interacting DNA helicase 1; minus strand). Cytogenetic location: 17q23.2.
Variant type: single nucleotide variant.
Coding change: c.3731T>A on transcript NM_032043.3 (MANE Select); coding-DNA position 3731, T replaced by A.
Protein change: p.Met1244Lys; replaces methionine 1244 with lysine.
Molecular consequence: missense variant.
Genome position (GRCh38, 1-based): chr17:61,683,315, A>T on the plus strand (T>A on the coding strand, the complement: BRIP1 is on the minus strand). VCF-style: chr17-61683315-A-T. GRCh37 (hg19) VCF-style: chr17-59760676-A-T.
Other names: short protein forms M1244K.
Identifiers: ClinVar variation 844618 (VCV000844618.12), dbSNP rs1260819959, ClinGen allele CA400477730.
Genomic context (GRCh38, chr17:61,683,315, plus strand): 5'-CATGATGACATATTTTTACTTAGCTTGAGAGTTAAGTATTATTACTTAAAACCAGGAAAC[A>T]TGCCTTTATTTTTGGAAGGAGATGGTTTAAAGTTCTTTATTTCTATTTCATGAGTTTTTC-3'
Protein context (NP_114432.2, residues 1234-1249): FKPSPSKNKG[Met1244Lys]FPGFK